The following is an entry in ClinVar:

NM_000538.4(RFXAP):c.600+5C>G

Genes: RFXAP (regulatory factor X associated protein; plus strand), LOC130009575 (ATAC-STARR-seq lymphoblastoid active region 7590; plus strand). Cytogenetic location: 13q13.3.
Variant type: single nucleotide variant.
Coding change: c.600+5C>G on transcript NM_000538.4 (MANE Select); 5 bases into the intron after coding-DNA position 600, C replaced by G.
Molecular consequence: intron variant.
Genome position (GRCh38, 1-based): chr13:36,819,962, C>G. VCF-style: chr13-36819962-C-G. GRCh37 (hg19) VCF-style: chr13-37394099-C-G.
Identifiers: ClinVar variation 2069524 (VCV002069524.4), dbSNP rs2500444318, ClinGen allele CA2580087490.

ClinVar aggregate classification (germline): Uncertain significance (1 of 4 stars; one submission).

Conditions:
MHC class II deficiency. Also called: Bare lymphocyte syndrome 2; BLS, TYPE II. Identifiers: Orphanet 572, MedGen C5447452, MONDO:0008855.

Submission:

Labcorp Genetics (formerly Invitae), Labcorp
Classification: Uncertain significance for MHC class II deficiency. Last evaluated: 2022-03-14. Review status: criteria provided, single submitter. Criteria: Invitae Variant Classification Sherloc (09022015). Collection method: clinical testing. Allele origin: germline.
Comment: This variant is not present in population databases (gnomAD no frequency). In summary, the available evidence is currently insufficient to determine the role of this variant in disease. Therefore, it has been classified as a Variant of Uncertain Significance. Variants that disrupt the consensus splice site are a relatively common cause of aberrant splicing (PMID: 17576681, 9536098). Algorithms developed to predict the effect of sequence changes on RNA splicing suggest that this variant is not likely to affect RNA splicing. This variant has not been reported in the literature in individuals affected with RFXAP-related conditions. This sequence change falls in intron 1 of the RFXAP gene. It does not directly change the encoded amino acid sequence of the RFXAP protein. It affects a nucleotide within the consensus splice site.

Literature cited by the submitters: PubMed 17576681; PubMed 9536098.